The following is an entry in ClinVar:

NM_001375405.1(CEP120):c.649C>T (p.Pro217Ser)

Gene: CEP120 (centrosomal protein 120; minus strand). Cytogenetic location: 5q23.2.
Variant type: single nucleotide variant.
Coding change: c.649C>T on transcript NM_001375405.1 (MANE Select); coding-DNA position 649, C replaced by T.
Protein change: p.Pro217Ser; replaces proline 217 with serine.
Molecular consequence: missense variant. On other transcripts: non-coding transcript variant (1).
Genome position (GRCh38, 1-based): chr5:123,393,461, G>A on the plus strand (C>T on the coding strand, the complement: CEP120 is on the minus strand). VCF-style: chr5-123393461-G-A. GRCh37 (hg19) VCF-style: chr5-122729155-G-A.
Other names: c.571C>T, p.Pro191Ser (NM_001166226.2); c.649C>T, p.Pro217Ser (NM_001375406.1, NM_001375407.1, NM_153223.4); c.76C>T, p.Pro26Ser (NM_001375408.1, NM_001375409.1); short protein forms P191S, P217S, P26S.
Identifiers: ClinVar variation 1463499 (VCV001463499.8), dbSNP rs1772538722, ClinGen allele CA360892862.

ClinVar aggregate classification (germline): Uncertain significance (1 of 4 stars; one submission).

Conditions:
Short-rib thoracic dysplasia 13 with or without polydactyly (SRTD13). Identifiers: Orphanet 474, MedGen C4225378, MONDO:0014577, OMIM 616300.

Submission:

Labcorp Genetics (formerly Invitae), Labcorp
Classification: Uncertain significance for Short-rib thoracic dysplasia 13 with or without polydactyly. Last evaluated: 2021-04-23. Review status: criteria provided, single submitter. Criteria: Invitae Variant Classification Sherloc (09022015). Collection method: clinical testing. Allele origin: germline.
Comment: Algorithms developed to predict the effect of missense changes on protein structure and function (SIFT, PolyPhen-2, Align-GVGD) all suggest that this variant is likely to be tolerated, but these predictions have not been confirmed by published functional studies and their clinical significance is uncertain. In summary, the available evidence is currently insufficient to determine the role of this variant in disease. Therefore, it has been classified as a Variant of Uncertain Significance. This variant has not been reported in the literature in individuals with CEP120-related conditions. This variant is not present in population databases (ExAC no frequency). This sequence change replaces proline with serine at codon 217 of the CEP120 protein (p.Pro217Ser). The proline residue is highly conserved and there is a moderate physicochemical difference between proline and serine.